The following is an entry in ClinVar:

ClinVar aggregate classification (germline): Uncertain significance (1 of 4 stars; one submission).

gnomAD v4.1: 10 of 1,594,456 alleles (0.00063%); highest among the groups gnomAD compares: African/African-American, 0.004%; no homozygotes.

Submission:

Labcorp Genetics (formerly Invitae), Labcorp
Classification: Uncertain significance. Last evaluated: 2025-10-21. Review status: criteria provided, single submitter. Criteria: Invitae Variant Classification Sherloc (09022015). Collection method: clinical testing. Allele origin: germline.
Comment: This sequence change disrupts the translational stop signal of the CTR9 mRNA. It is expected to extend the length of the CTR9 protein by 6 additional amino acid residues. This variant is present in population databases (rs368567887, gnomAD 0.003%). This variant has not been reported in the literature in individuals affected with CTR9-related conditions. Experimental studies and prediction algorithms are not available or were not evaluated, and the functional significance of this variant is currently unknown. In summary, the available evidence is currently insufficient to determine the role of this variant in disease. Therefore, it has been classified as a Variant of Uncertain Significance.

NM_014633.5(CTR9):c.3520T>C (p.Ter1174Gln)

Gene: CTR9 (CTR9 component of Paf1/RNA polymerase II complex; plus strand). Cytogenetic location: 11p15.4.
Variant type: single nucleotide variant.
Coding change: c.3520T>C on transcript NM_014633.5 (MANE Select); coding-DNA position 3520, T replaced by C.
Protein change: p.Ter1174Gln.
Molecular consequence: stop lost.
Genome position (GRCh38, 1-based): chr11:10,779,103, T>C. VCF-style: chr11-10779103-T-C. GRCh37 (hg19) VCF-style: chr11-10800650-T-C.
Other names: c.3448T>C, p.Ter1150Gln (NM_001346279.2).
Identifiers: ClinVar variation 4808369 (VCV004808369.1).